The following is an entry in ClinVar:

NM_014363.6(SACS):c.1222_1223del (p.Asp408fs)

Gene: SACS (sacsin molecular chaperone; minus strand). Cytogenetic location: 13q12.12.
Variant type: Deletion.
Coding change: c.1222_1223del on transcript NM_014363.6 (MANE Select); coding-DNA positions 1222 to 1223, 2 bases deleted (GA; older notation c.1222_1223delGA).
Protein change: p.Asp408fs; shifts the reading frame from aspartic acid 408.
Molecular consequence: frameshift variant.
Genome position (GRCh38, 1-based): chr13:23,355,389-23,355,390, TC deleted on the plus strand (GA on the coding strand, the reverse complement: SACS is on the minus strand). VCF-style (leftmost placement, unchanged base first): chr13-23355388-GTC-G. GRCh37 (hg19) VCF-style: chr13-23929527-GTC-G.
Other names: c.781_782del, p.Asp261fs (NM_001278055.2); c.1222_1223del, p.Asp408fs (NM_001437336.1); short protein forms D261fs, D408fs.
Identifiers: ClinVar variation 5013442 (VCV005013442.1).

ClinVar aggregate classification (germline): Pathogenic (1 of 4 stars; one submission).

Conditions:
Charlevoix-Saguenay spastic ataxia (SACS). Also called: AUTOSOMAL RECESSIVE SPASTIC ATAXIA OF CHARLEVOIX-SAGUENAY; Spastic ataxia of Charlevoix-Saguenay; SPASTIC ATAXIA 6, AUTOSOMAL RECESSIVE. Identifiers: Orphanet 98, MedGen C1849140, MONDO:0010041, OMIM 270550.

Submission:

Myriad Genetics, Inc.
Classification: Pathogenic for Charlevoix-Saguenay spastic ataxia. Last evaluated: 2024-08-12. Review status: criteria provided, single submitter. Criteria: Myriad Autosomal Dominant, Autosomal Recessive and X-Linked Classification Criteria (2023). Collection method: clinical testing. Allele origin: unknown.
Comment: NM_014363.4(SACS):c.1222_1223delGA(D408Lfs*4) is expected to be pathogenic in the context of autosomal recessive spastic ataxia of Charlevoix-Saguenay. This variant is predicted to lead to an abnormal or absent protein product due to the creation of a premature termination codon in SACS, a gene where loss-of-function variants are known to be pathogenic. Please note: this variant was assessed in the context of healthy population screening.